The following is an entry in ClinVar:

ClinVar aggregate classification (germline): Benign/Likely benign. Review status: criteria provided, multiple submitters, no conflicts (2 of 4 stars). 4 submissions from 4 submitters: Benign (1); Likely benign (2). 1 of the submissions does not count toward it. Last evaluated 2025-04-07.

Conditions:
CHD8-related disorder. Also called: CHD8-related condition; CHD8-related disorders.

Allele frequency attached by ClinVar (database versions not stated): gnomAD 0.00001 and 0.00002; TOPMed 0.00004; ExAC 0.00007; gnomAD exomes 0.00007.
gnomAD v4.1: 45 of 1,601,788 alleles (0.0028%); highest among the groups gnomAD compares: East Asian, 0.022%; no homozygotes.

Submissions (4):

Labcorp Genetics (formerly Invitae), Labcorp
Classification: Benign. Last evaluated: 2025-04-07. Review status: criteria provided, single submitter. Criteria: Invitae Variant Classification Sherloc (09022015). Collection method: clinical testing. Allele origin: germline.

GeneDx
Classification: Likely benign. Last evaluated: 2020-07-29. Review status: criteria provided, single submitter. Criteria: GeneDx Variant Classification Process June 2021. Collection method: clinical testing. Allele origin: germline. Affected: yes.

CeGaT Center for Human Genetics Tuebingen
Classification: Likely benign. Last evaluated: 2019-07-01. Review status: criteria provided, single submitter. Criteria: CeGaT Center For Human Genetics Tuebingen Variant Classification Criteria Version 2. Collection method: clinical testing. Allele origin: germline. Affected: yes. Observed: 1 variant allele.

PreventionGenetics, part of Exact Sciences
Classification: Likely benign for CHD8-related condition. Last evaluated: 2024-04-04. Review status: no assertion criteria provided. Collection method: clinical testing. Allele origin: germline. Not counted in ClinVar's aggregate classification.
Comment: This variant is classified as likely benign based on ACMG/AMP sequence variant interpretation guidelines (Richards et al. 2015 PMID: 25741868, with internal and published modifications).

NM_001170629.2(CHD8):c.852G>A (p.Ser284=)

Gene: CHD8 (chromodomain helicase DNA binding protein 8; minus strand). Cytogenetic location: 14q11.2.
Variant type: single nucleotide variant.
Coding change: c.852G>A on transcript NM_001170629.2 (MANE Select); coding-DNA position 852, G replaced by A.
Protein change: p.Ser284=; no amino-acid change (serine 284 retained).
Molecular consequence: synonymous variant.
Genome position (GRCh38, 1-based): chr14:21,429,327, C>T on the plus strand (G>A on the coding strand, the complement: CHD8 is on the minus strand). VCF-style: chr14-21429327-C-T. GRCh37 (hg19) VCF-style: chr14-21897486-C-T.
Other names: c.15G>A, p.Ser5= (NM_020920.4).
Identifiers: ClinVar variation 871663 (VCV000871663.46), dbSNP rs765203840, ClinGen allele CA7091876.